The following is an entry in ClinVar:

NM_015937.6(PIGT):c.988C>T (p.Arg330Ter)

Gene: PIGT (phosphatidylinositol glycan anchor biosynthesis class T; plus strand). Cytogenetic location: 20q13.12.
Variant type: single nucleotide variant.
Coding change: c.988C>T on transcript NM_015937.6 (MANE Select); coding-DNA position 988, C replaced by T.
Protein change: p.Arg330Ter; replaces arginine 330 with a stop codon.
Molecular consequence: nonsense. On other transcripts: non-coding transcript variant (5).
Genome position (GRCh38, 1-based): chr20:45,420,648, C>T. VCF-style: chr20-45420648-C-T. GRCh37 (hg19) VCF-style: chr20-44049288-C-T.
Other names: c.820C>T, p.Arg274Ter (NM_001184728.3); c.988C>T, p.Arg330Ter (NM_001184729.3); c.682C>T, p.Arg228Ter (NM_001184730.3); short protein forms R330*, R228*, R274*.
Identifiers: ClinVar variation 372986 (VCV000372986.13), dbSNP rs201317502, ClinGen allele CA9878123.

ClinVar aggregate classification (germline): Pathogenic. Review status: criteria provided, multiple submitters, no conflicts (2 of 4 stars). 3 submissions from 3 submitters: Pathogenic (3). Last evaluated 2025-03-04.

Conditions:
Multiple congenital anomalies-hypotonia-seizures syndrome 3 (MCAHS3). Also called: GLYCOSYLPHOSPHATIDYLINOSITOL BIOSYNTHESIS DEFECT 7. Identifiers: Orphanet 369837, MedGen C3809356, MONDO:0014165, OMIM 615398.
PIGT-related disorder.

Allele frequency attached by ClinVar (database versions not stated): gnomAD exomes 0.00003; ExAC 0.00004; TOPMed 0.00004; ESP Exome Variant Server 0.00008; gnomAD 0.00010; 1000 Genomes Project 30x 0.00016.
gnomAD v4.1: 46 of 1,613,844 alleles (0.0029%); highest among the groups gnomAD compares: African/African-American, 0.013%; no homozygotes.

Submissions (3):

GeneDx
Classification: Pathogenic. Last evaluated: 2025-03-04. Review status: criteria provided, single submitter. Criteria: GeneDx Variant Classification Process June 2021. Collection method: clinical testing. Allele origin: germline. Affected: yes.
Comment: Nonsense variant predicted to result in protein truncation or nonsense mediated decay in a gene for which loss of function is a known mechanism of disease; This variant is associated with the following publications: (PMID: 34046058)

Labcorp Genetics (formerly Invitae), Labcorp
Classification: Pathogenic for Multiple congenital anomalies-hypotonia-seizures syndrome 3. Last evaluated: 2024-10-02. Review status: criteria provided, single submitter. Criteria: Invitae Variant Classification Sherloc (09022015). Collection method: clinical testing. Allele origin: germline.
Comment: This sequence change creates a premature translational stop signal (p.Arg330*) in the PIGT gene. It is expected to result in an absent or disrupted protein product. Loss-of-function variants in PIGT are known to be pathogenic (PMID: 24906948, 25943031). This variant is present in population databases (rs201317502, gnomAD 0.02%). This premature translational stop signal has been observed in individual(s) with PIGT-related conditions (PMID: 34046058). ClinVar contains an entry for this variant (Variation ID: 372986). For these reasons, this variant has been classified as Pathogenic.

Institute of Human Genetics, University of Leipzig Medical Center
Classification: Pathogenic for Multiple congenital anomalies-hypotonia-seizures syndrome 3. Last evaluated: 2023-08-11. Review status: criteria provided, single submitter. Criteria: ACMG Guidelines, 2015. Collection method: clinical testing. Allele origin: paternal. Inheritance: Autosomal recessive inheritance. Affected: yes.
Comment: Criteria applied: PVS1,PS4_SUP,PM2_SUP

Literature cited by the submitters: PubMed 24906948 (cited by Labcorp Genetics (formerly Invitae), Labcorp); PubMed 25943031 (cited by Labcorp Genetics (formerly Invitae), Labcorp); PubMed 34046058 (cited by Labcorp Genetics (formerly Invitae), Labcorp).